The following is an entry in ClinVar:

NM_007317.3(KIF22):c.1950+1G>C

Gene: KIF22 (kinesin family member 22; plus strand). Cytogenetic location: 16p11.2.
Variant type: single nucleotide variant.
Coding change: c.1950+1G>C on transcript NM_007317.3 (MANE Select); the canonical splice donor site of the intron after coding-DNA position 1950, G replaced by C.
Molecular consequence: splice donor variant.
Genome position (GRCh38, 1-based): chr16:29,805,175, G>C. VCF-style: chr16-29805175-G-C. GRCh37 (hg19) VCF-style: chr16-29816496-G-C.
Other names: c.1746+1G>C (NM_001256269.2, NM_001256270.1).
Identifiers: ClinVar variation 2099597 (VCV002099597.4), dbSNP rs374120357, ClinGen allele CA395463184.

ClinVar aggregate classification (germline): Uncertain significance (1 of 4 stars; one submission).

Submission:

Labcorp Genetics (formerly Invitae), Labcorp
Classification: Uncertain significance. Last evaluated: 2022-02-19. Review status: criteria provided, single submitter. Criteria: Invitae Variant Classification Sherloc (09022015). Collection method: clinical testing. Allele origin: germline.
Comment: This sequence change falls in intron 13 of the KIF22 gene. It does not directly change the encoded amino acid sequence of the KIF22 protein. It affects a nucleotide within the consensus splice site. In summary, the available evidence is currently insufficient to determine the role of this variant in disease. Therefore, it has been classified as a Variant of Uncertain Significance. Variants that disrupt the consensus splice site are a relatively common cause of aberrant splicing (PMID: 17576681, 9536098). Algorithms developed to predict the effect of sequence changes on RNA splicing suggest that this variant may disrupt the consensus splice site. This variant has not been reported in the literature in individuals affected with KIF22-related conditions. This variant is not present in population databases (gnomAD no frequency).

Literature cited by the submitters: PubMed 17576681; PubMed 9536098.